The following is an entry in ClinVar:

NM_198859.4(PRICKLE2):c.1535G>A (p.Gly512Asp)

Gene: PRICKLE2 (prickle planar cell polarity protein 2; minus strand). Cytogenetic location: 3p14.1.
Variant type: single nucleotide variant.
Coding change: c.1535G>A on transcript NM_198859.4 (MANE Select); coding-DNA position 1535, G replaced by A.
Protein change: p.Gly512Asp; replaces glycine 512 with aspartic acid.
Molecular consequence: missense variant.
Genome position (GRCh38, 1-based): chr3:64,146,955, C>T on the plus strand (G>A on the coding strand, the complement: PRICKLE2 is on the minus strand). VCF-style: chr3-64146955-C-T. GRCh37 (hg19) VCF-style: chr3-64132631-C-T.
Other names: c.1535G>A, p.Gly512Asp (NM_001370528.1); short protein forms G512D.
Identifiers: ClinVar variation 864114 (VCV000864114.11), dbSNP rs772691573, ClinGen allele CA2479611.

ClinVar aggregate classification (germline): Uncertain significance. Review status: criteria provided, multiple submitters, no conflicts (2 of 4 stars). 2 submissions from 2 submitters: Uncertain significance (2). Last evaluated 2020-12-07.

Conditions:
Progressive myoclonic epilepsy type 5. Identifiers: Orphanet 402082, MedGen C5190799.
Progressive myoclonic epilepsy. Also called: Familial progressive myoclonic epilepsy; Myoclonic Epilepsies, Progressive; Myoclonus epilepsy; Progressive myoclonus epilepsy. Identifiers: Orphanet 308, Orphanet 98261, MedGen C0751778, MONDO:0020074.

Allele frequency attached by ClinVar (database versions not stated): TOPMed 0.00001; gnomAD 0.00003.
gnomAD v4.1: 14 of 1,614,002 alleles (0.00087%); highest among the groups gnomAD compares: African/African-American, 0.0027%; no homozygotes.

Submissions (2):

Labcorp Genetics (formerly Invitae), Labcorp
Classification: Uncertain significance for Progressive myoclonic epilepsy type 5. Last evaluated: 2020-12-07. Review status: criteria provided, single submitter. Criteria: Invitae Variant Classification Sherloc (09022015). Collection method: clinical testing. Allele origin: germline.
Comment: In summary, the available evidence is currently insufficient to determine the role of this variant in disease. Therefore, it has been classified as a Variant of Uncertain Significance. Algorithms developed to predict the effect of missense changes on protein structure and function output the following: SIFT: "Deleterious"; PolyPhen-2: "Benign"; Align-GVGD: "Class C25". The aspartic acid amino acid residue is found in multiple mammalian species, suggesting that this missense change does not adversely affect protein function. These predictions have not been confirmed by published functional studies and their clinical significance is uncertain. This variant has not been reported in the literature in individuals with PRICKLE2-related conditions. This variant is present in population databases (rs772691573, ExAC 0.001%). This sequence change replaces glycine with aspartic acid at codon 512 of the PRICKLE2 protein (p.Gly512Asp). The glycine residue is highly conserved and there is a moderate physicochemical difference between glycine and aspartic acid.

Illumina Laboratory Services, Illumina
Classification: Uncertain significance for Progressive myoclonic epilepsy. Last evaluated: 2018-01-12. Review status: criteria provided, single submitter. Criteria: ICSL Variant Classification Criteria 13 December 2019. Collection method: clinical testing. Allele origin: germline.